The following is an entry in ClinVar:

NM_201384.3(PLEC):c.13276C>T (p.Arg4426Cys)

Gene: PLEC (plectin; minus strand). Cytogenetic location: 8q24.3.
Variant type: single nucleotide variant.
Coding change: c.13276C>T on transcript NM_201384.3 (MANE Select); coding-DNA position 13276, C replaced by T.
Protein change: p.Arg4426Cys; replaces arginine 4426 with cysteine.
Molecular consequence: missense variant.
Genome position (GRCh38, 1-based): chr8:143,916,545, G>A on the plus strand (C>T on the coding strand, the complement: PLEC is on the minus strand). VCF-style: chr8-143916545-G-A. GRCh37 (hg19) VCF-style: chr8-144990713-G-A.
Other names: c.13357C>T, p.Arg4453Cys (NM_000445.5); c.13234C>T, p.Arg4412Cys (NM_201378.4); c.13210C>T, p.Arg4404Cys (NM_201379.3); c.13687C>T, p.Arg4563Cys (NM_201380.4); c.13180C>T, p.Arg4394Cys (NM_201381.3); c.13276C>T, p.Arg4426Cys (NM_201382.4); c.13288C>T, p.Arg4430Cys (NM_201383.3); short protein forms R4394C, R4404C, R4412C, R4426C, R4430C, R4453C, R4563C.
Identifiers: ClinVar variation 424289 (VCV000424289.17), dbSNP rs782043444, ClinGen allele CA4923855.

ClinVar aggregate classification (germline): Uncertain significance. Review status: criteria provided, multiple submitters, no conflicts (2 of 4 stars). 4 submissions from 4 submitters: Uncertain significance (4). Last evaluated 2025-12-24.

Conditions:
Autosomal recessive limb-girdle muscular dystrophy type 2Q (LGMDR17). Also called: MUSCULAR DYSTROPHY, LIMB-GIRDLE, AUTOSOMAL RECESSIVE 17. Identifiers: Orphanet 254361, MedGen C3150989, MONDO:0013390, OMIM 613723.
Epidermolysis bullosa simplex 5B, with muscular dystrophy (EBS5B). Also called: EPIDERMOLYSIS BULLOSA SIMPLEX AND LIMB-GIRDLE MUSCULAR DYSTROPHY; Epidermolysis bullosa simplex with muscular dystrophy. Identifiers: Orphanet 257, MedGen C2931072, MONDO:0009181, OMIM 226670.
Epidermolysis bullosa simplex with nail dystrophy (EBS5D). Identifiers: MedGen C4225309, MONDO:0014661, OMIM 616487.
Epidermolysis bullosa simplex 5C, with pyloric atresia (EBS5C). Also called: PLEC-Related Epidermolysis Bullosa with Pyloric Atresia; PLEC1-Related Epidermolysis Bullosa with Pyloric Atresia; Epidermolysis bullosa simplex with pyloric atresia. Identifiers: Orphanet 158684, MedGen C2677349, MONDO:0012807, OMIM 612138.
Epidermolysis bullosa simplex, Ogna type (EBS5A). Also called: Pidermolysis bullosa simplex 5A, Ogna type; EPIDERMOLYSIS BULLOSA SIMPLEX 5A, OGNA TYPE. Identifiers: Orphanet 79401, MedGen C0432317, MONDO:0007555, OMIM 131950.

Allele frequency attached by ClinVar (database versions not stated): gnomAD exomes 0.00001 and 0.00002; ExAC 0.00002; TOPMed 0.00002.
gnomAD v4.1: 12 of 1,611,740 alleles (0.00074%); highest among the groups gnomAD compares: Admixed American, 0.0017%; no homozygotes.

Submissions (4):

Labcorp Genetics (formerly Invitae), Labcorp
Classification: Uncertain significance for Autosomal recessive limb-girdle muscular dystrophy type 2Q; Epidermolysis bullosa simplex, Ogna type; Epidermolysis bullosa simplex with nail dystrophy; Epidermolysis bullosa simplex 5C, with pyloric atresia; Epidermolysis bullosa simplex 5B, with muscular dystrophy. Last evaluated: 2025-12-24. Review status: criteria provided, single submitter. Criteria: Invitae Variant Classification Sherloc (09022015). Collection method: clinical testing. Allele origin: germline.
Comment: This sequence change replaces arginine, which is basic and polar, with cysteine, which is neutral and slightly polar, at codon 4453 of the PLEC protein (p.Arg4453Cys). This variant is present in population databases (rs782043444, gnomAD 0.003%). This variant has not been reported in the literature in individuals affected with PLEC-related conditions. ClinVar contains an entry for this variant (Variation ID: 424289). Invitae Evidence Modeling of protein sequence and biophysical properties (such as structural, functional, and spatial information, amino acid conservation, physicochemical variation, residue mobility, and thermodynamic stability) indicates that this missense variant is not expected to disrupt PLEC protein function with a negative predictive value of 80%. In summary, the available evidence is currently insufficient to determine the role of this variant in disease. Therefore, it has been classified as a Variant of Uncertain Significance.

Blueprint Genetics
Classification: Uncertain significance. Last evaluated: 2023-08-31. Review status: criteria provided, single submitter. Criteria: ACMG Guidelines, 2015. Collection method: clinical testing. Allele origin: germline.

GeneDx
Classification: Uncertain significance. Last evaluated: 2017-03-17. Review status: criteria provided, single submitter. Criteria: GeneDx Variant Classification (06012015). Collection method: clinical testing. Allele origin: germline. Affected: yes.
Comment: The R4453C variant has not been published as a pathogenic variant, nor has it been reported as a benign variant to our knowledge. The R4453C variant is not observed at a significant frequency in large population cohorts (Lek et al., 2016; 1000 Genomes Consortium et al., 2015; Exome Variant Server). This variant is a non-conservative amino acid substitution, which is likely to impact secondary protein structure as these residues differ in polarity, charge, size and/or other properties. This substitution occurs at a position that is conserved across species, and in silico analysis predicts this variant is probably damaging to the protein structure/function. However, missense variants in nearby residues have not been reported in the Human Gene Mutation Database in association with PLEC-related disorders (Stenson et al., 2014).

Eurofins Ntd Llc (ga)
Classification: Uncertain significance. Last evaluated: 2017-01-31. Review status: criteria provided, single submitter. Criteria: EGL Classification Definitions 2015. Collection method: clinical testing. Allele origin: germline. Observed: 1 variant allele, 1 heterozygote.